The following is an entry in ClinVar:

ClinVar aggregate classification (germline): Uncertain significance (1 of 4 stars; one submission).

Submission:

GeneDx
Classification: Uncertain significance. Last evaluated: 2026-04-14. Review status: criteria provided, single submitter. Criteria: GeneDx Variant Classification Process June 2021. Collection method: clinical testing. Allele origin: germline.
Comment: Not observed at significant frequency in large population cohorts (gnomAD); In silico analysis supports that this missense variant has a deleterious effect on protein structure/function; Has not been previously published as pathogenic or benign to our knowledge

NM_020778.5(ALPK3):c.4279A>C (p.Lys1427Gln)

Gene: ALPK3 (alpha kinase 3; plus strand). Cytogenetic location: 15q25.3.
Variant type: single nucleotide variant.
Coding change: c.4279A>C on transcript NM_020778.5 (MANE Select); coding-DNA position 4279, A replaced by C.
Protein change: p.Lys1427Gln; replaces lysine 1427 with glutamine.
Molecular consequence: missense variant.
Genome position (GRCh38, 1-based): chr15:84,862,784, A>C. VCF-style: chr15-84862784-A-C. GRCh37 (hg19) VCF-style: chr15-85406015-A-C.
Other names: short protein forms K1427Q.
Identifiers: ClinVar variation 5037155 (VCV005037155.1).